The following is an entry in ClinVar:

NM_005530.3(IDH3A):c.289+3A>G

Gene: IDH3A (isocitrate dehydrogenase (NAD(+)) 3 catalytic subunit alpha; plus strand). Cytogenetic location: 15q25.1.
Variant type: single nucleotide variant.
Coding change: c.289+3A>G on transcript NM_005530.3 (MANE Select); 3 bases into the intron after coding-DNA position 289, A replaced by G.
Molecular consequence: intron variant.
Genome position (GRCh38, 1-based): chr15:78,160,209, A>G. VCF-style: chr15-78160209-A-G. GRCh37 (hg19) VCF-style: chr15-78452551-A-G.
Identifiers: ClinVar variation 1347573 (VCV001347573.7), dbSNP rs368923359, ClinGen allele CA7680524.

ClinVar aggregate classification (germline): Uncertain significance. Review status: criteria provided, multiple submitters, no conflicts (2 of 4 stars). 2 submissions from 2 submitters: Uncertain significance (2). Last evaluated 2021-09-09.

Allele frequency attached by ClinVar (database versions not stated): gnomAD exomes below 0.00001; ExAC 0.00001; ESP Exome Variant Server 0.00008.
gnomAD v4.1: 5 of 1,525,494 alleles (0.00033%); highest among the groups gnomAD compares: Non-Finnish European, 0.00036%; no homozygotes.

Submissions (2):

Labcorp Genetics (formerly Invitae), Labcorp
Classification: Uncertain significance. Last evaluated: 2021-09-09. Review status: criteria provided, single submitter. Criteria: Invitae Variant Classification Sherloc (09022015). Collection method: clinical testing. Allele origin: germline.
Comment: In summary, the available evidence is currently insufficient to determine the role of this variant in disease. Therefore, it has been classified as a Variant of Uncertain Significance. Variants that disrupt the consensus splice site are a relatively common cause of aberrant splicing (PMID: 17576681, 9536098). Algorithms developed to predict the effect of sequence changes on RNA splicing suggest that this variant may disrupt the consensus splice site. This variant has not been reported in the literature in individuals affected with IDH3A-related conditions. The frequency data for this variant in the population databases is considered unreliable, as metrics indicate poor data quality at this position in the ExAC database. This sequence change falls in intron 4 of the IDH3A gene. It does not directly change the encoded amino acid sequence of the IDH3A protein. It affects a nucleotide within the consensus splice site of the intron.

Blueprint Genetics
Classification: Uncertain significance. Last evaluated: 2021-01-13. Review status: criteria provided, single submitter. Criteria: ACMG Guidelines, 2015. Collection method: clinical testing. Allele origin: germline.

Literature cited by the submitters: PubMed 17576681 (cited by Labcorp Genetics (formerly Invitae), Labcorp); PubMed 9536098 (cited by Labcorp Genetics (formerly Invitae), Labcorp).